The following is an entry in ClinVar:

NM_000316.3(PTH1R):c.215C>T (p.Ala72Val)

Gene: PTH1R (parathyroid hormone 1 receptor; plus strand). Cytogenetic location: 3p21.31.
Variant type: single nucleotide variant.
Coding change: c.215C>T on transcript NM_000316.3 (MANE Select); coding-DNA position 215, C replaced by T.
Protein change: p.Ala72Val; replaces alanine 72 with valine.
Molecular consequence: missense variant.
Genome position (GRCh38, 1-based): chr3:46,895,771, C>T. VCF-style: chr3-46895771-C-T. GRCh37 (hg19) VCF-style: chr3-46937261-C-T.
Other names: c.215C>T, p.Ala72Val (NM_001184744.1); short protein forms A72V.
Identifiers: ClinVar variation 2287866 (VCV002287866.4), dbSNP rs572975854, ClinGen allele CA2359120.

ClinVar aggregate classification (germline): Uncertain significance. Review status: criteria provided, multiple submitters, no conflicts (2 of 4 stars). 2 submissions from 2 submitters: Uncertain significance (2). Last evaluated 2024-08-01.

Conditions:
Inborn genetic diseases. Identifiers: MedGen C0950123, MeSH D030342.

Allele frequency attached by ClinVar (database versions not stated): gnomAD exomes 0.00001; ExAC 0.00003; TOPMed 0.00006; 1000 Genomes Project 30x 0.00016; 1000 Genomes Project 0.00020.
gnomAD v4.1: 27 of 1,614,142 alleles (0.0017%); highest among the groups gnomAD compares: Middle Eastern, 0.049%; no homozygotes.

Submissions (2):

Labcorp Genetics (formerly Invitae), Labcorp
Classification: Uncertain significance. Last evaluated: 2024-08-01. Review status: criteria provided, single submitter. Criteria: Invitae Variant Classification Sherloc (09022015). Collection method: clinical testing. Allele origin: germline.
Comment: This sequence change replaces alanine, which is neutral and non-polar, with valine, which is neutral and non-polar, at codon 72 of the PTH1R protein (p.Ala72Val). This variant is present in population databases (rs572975854, gnomAD 0.02%). This variant has not been reported in the literature in individuals affected with PTH1R-related conditions. ClinVar contains an entry for this variant (Variation ID: 2287866). An algorithm developed to predict the effect of missense changes on protein structure and function outputs the following: PolyPhen-2: "Benign". The valine amino acid residue is found in multiple mammalian species, which suggests that this missense change does not adversely affect protein function. In summary, the available evidence is currently insufficient to determine the role of this variant in disease. Therefore, it has been classified as a Variant of Uncertain Significance.

Ambry Genetics
Classification: Uncertain significance for Inborn genetic diseases. Last evaluated: 2022-05-06. Review status: criteria provided, single submitter. Criteria: Ambry Variant Classification Scheme 2023. Collection method: clinical testing. Allele origin: germline.